The following is an entry in ClinVar:

ClinVar aggregate classification (germline): Benign/Likely benign. Review status: criteria provided, multiple submitters, no conflicts (2 of 4 stars). 4 submissions from 4 submitters: Benign (1); Likely benign (3). Last evaluated 2025-05-19.

Conditions:
Familial cancer of breast. Also called: BREAST CANCER, FAMILIAL; Hereditary breast cancer; hereditary breast carcinoma. Identifiers: Orphanet 227535, MedGen C0346153, MONDO:0016419, OMIM 114480. Disease mechanism: loss of function.
Hereditary cancer-predisposing syndrome. Also called: Neoplastic Syndromes, Hereditary; Hereditary Cancer Syndrome; Hereditary neoplastic syndrome; Tumor predisposition. Identifiers: Orphanet 140162, MedGen C0027672, MeSH D009386, MONDO:0015356.

Allele frequency attached by ClinVar (database versions not stated): gnomAD exomes below 0.00001.
gnomAD v4.1: 1 of 1,613,994 alleles (0.000062%); highest among the groups gnomAD compares: Admixed American, 0.0017%; no homozygotes.

Submissions (4):

Labcorp Genetics (formerly Invitae), Labcorp
Classification: Likely benign for Familial cancer of breast. Last evaluated: 2025-05-19. Review status: criteria provided, single submitter. Criteria: Invitae Variant Classification Sherloc (09022015). Collection method: clinical testing. Allele origin: germline.

Myriad Genetics, Inc.
Classification: Benign for Familial cancer of breast. Last evaluated: 2025-01-21. Review status: criteria provided, single submitter. Criteria: Myriad Autosomal Dominant, Autosomal Recessive and X-Linked Classification Criteria (2023). Collection method: clinical testing. Allele origin: unknown.
Comment: This variant is considered benign. This variant is a silent/synonymous amino acid change and it is not expected to impact splicing.

Color Diagnostics, LLC DBA Color Health
Classification: Likely benign for Hereditary cancer-predisposing syndrome. Last evaluated: 2019-01-02. Review status: criteria provided, single submitter. Criteria: ACMG Guidelines, 2015. Collection method: clinical testing. Allele origin: germline.

Ambry Genetics
Classification: Likely benign for Hereditary cancer-predisposing syndrome. Last evaluated: 2018-12-06. Review status: criteria provided, single submitter. Criteria: Ambry Variant Classification Scheme 2023. Collection method: clinical testing. Allele origin: germline.

NM_024675.4(PALB2):c.2913C>T (p.Gly971=)

Gene: PALB2 (partner and localizer of BRCA2; minus strand). Cytogenetic location: 16p12.2.
Variant type: single nucleotide variant.
Coding change: c.2913C>T on transcript NM_024675.4 (MANE Select); coding-DNA position 2913, C replaced by T.
Protein change: p.Gly971=; no amino-acid change (glycine 971 retained).
Molecular consequence: synonymous variant.
Genome position (GRCh38, 1-based): chr16:23,623,052, G>A on the plus strand (C>T on the coding strand, the complement: PALB2 is on the minus strand). VCF-style: chr16-23623052-G-A. GRCh37 (hg19) VCF-style: chr16-23634373-G-A.
Identifiers: ClinVar variation 460969 (VCV000460969.20), dbSNP rs786201384, ClinGen allele CA494180454.